The following is an entry in ClinVar:

NM_022051.3(EGLN1):c.128G>A (p.Cys43Tyr)

Gene: EGLN1 (egl-9 family hypoxia inducible factor 1; minus strand). Cytogenetic location: 1q42.2.
Variant type: single nucleotide variant.
Coding change: c.128G>A on transcript NM_022051.3 (MANE Select); coding-DNA position 128, G replaced by A.
Protein change: p.Cys43Tyr; replaces cysteine 43 with tyrosine.
Molecular consequence: missense variant.
Genome position (GRCh38, 1-based): chr1:231,421,761, C>T on the plus strand (G>A on the coding strand, the complement: EGLN1 is on the minus strand). VCF-style: chr1-231421761-C-T. GRCh37 (hg19) VCF-style: chr1-231557507-C-T.
Other names: c.128G>A, p.Cys43Tyr (NM_001377260.1, NM_001377261.1); short protein forms C43Y.
Identifiers: ClinVar variation 4016840 (VCV004016840.1).

ClinVar aggregate classification (germline): Uncertain significance (1 of 4 stars; one submission).

Submission:

Ambry Genetics
Classification: Uncertain significance. Last evaluated: 2025-03-27. Review status: criteria provided, single submitter. Criteria: Ambry Variant Classification Scheme 2023. Collection method: clinical testing. Allele origin: germline.
Comment: The p.C43Y variant (also known as c.128G>A), located in coding exon 1 of the EGLN1 gene, results from a G to A substitution at nucleotide position 128. The cysteine at codon 43 is replaced by tyrosine, an amino acid with highly dissimilar properties. This amino acid position is not well conserved in available vertebrate species. In addition, this alteration is predicted to be tolerated by in silico analysis. The evidence for this gene-disease relationship is limited; therefore, the clinical significance of this alteration is unclear.